The following is an entry in ClinVar:

NM_152732.5(RSPH9):c.312G>C (p.Met104Ile)

Gene: RSPH9 (radial spoke head component 9; plus strand). Cytogenetic location: 6p21.1.
Variant type: single nucleotide variant.
Coding change: c.312G>C on transcript NM_152732.5 (MANE Select); coding-DNA position 312, G replaced by C.
Protein change: p.Met104Ile; replaces methionine 104 with isoleucine.
Molecular consequence: missense variant. On other transcripts: non-coding transcript variant (1).
Genome position (GRCh38, 1-based): chr6:43,650,459, G>C. VCF-style: chr6-43650459-G-C. GRCh37 (hg19) VCF-style: chr6-43618196-G-C.
Other names: c.312G>C, p.Met104Ile (NM_001193341.2, NM_001424119.1, NM_001424120.1 and 1 more transcripts); short protein forms M104I.
Identifiers: ClinVar variation 1391563 (VCV001391563.7), dbSNP rs2127891583, ClinGen allele CA364288623.
Genomic context (GRCh38, chr6:43,650,459, plus strand): 5'-CTTGCCCCCTGCCACAGAGGAGATGGTGGCGCAGTCGTCTGTGGTGAAGGGCCGCTTCAT[G>C]GGGGACCCATCATACGAATATGAACACACTGAGCTGCAGAAGGTGAATGAAGGTGAAAAA-3'
Protein context (NP_689945.2, residues 94-114): AQSSVVKGRF[Met104Ile]GDPSYEYEHT

ClinVar aggregate classification (germline): Uncertain significance (1 of 4 stars; one submission).

Conditions:
Primary ciliary dyskinesia. Also called: Ciliary dyskinesia. Identifiers: Orphanet 244, MedGen C0008780, MONDO:0016575, HP:0012265.

Submission:

Labcorp Genetics (formerly Invitae), Labcorp
Classification: Uncertain significance for Primary ciliary dyskinesia. Last evaluated: 2021-11-05. Review status: criteria provided, single submitter. Criteria: Invitae Variant Classification Sherloc (09022015). Collection method: clinical testing. Allele origin: germline.
Comment: This variant has not been reported in the literature in individuals affected with RSPH9-related conditions. Algorithms developed to predict the effect of missense changes on protein structure and function (SIFT, PolyPhen-2, Align-GVGD) all suggest that this variant is likely to be tolerated. In summary, the available evidence is currently insufficient to determine the role of this variant in disease. Therefore, it has been classified as a Variant of Uncertain Significance. This variant is not present in population databases (gnomAD no frequency). This sequence change replaces methionine, which is neutral and non-polar, with isoleucine, which is neutral and non-polar, at codon 104 of the RSPH9 protein (p.Met104Ile).